The following is an entry in ClinVar:

NM_000051.4(ATM):c.4121C>T (p.Pro1374Leu)

Gene: ATM (ATM serine/threonine kinase; plus strand). Cytogenetic location: 11q22.3.
Variant type: single nucleotide variant.
Coding change: c.4121C>T on transcript NM_000051.4 (MANE Select); coding-DNA position 4121, C replaced by T.
Protein change: p.Pro1374Leu; replaces proline 1374 with leucine.
Molecular consequence: missense variant.
Genome position (GRCh38, 1-based): chr11:108,288,988, C>T. VCF-style: chr11-108288988-C-T. GRCh37 (hg19) VCF-style: chr11-108159715-C-T.
Other names: c.4121C>T, p.Pro1374Leu (NM_001351834.2); short protein forms P1374L.
Identifiers: ClinVar variation 3348153 (VCV003348153.1).
Genomic context (GRCh38, chr11:108,288,988, plus strand): 5'-ACAAAACTTTTTAAAACGATGACTGTATTTTTTCCCTTAACTCTGTTAGGGATTTGGATC[C>T]TGCTCCTAATCCACCTCATTTTCCATCGCATGTGATTAAAGCAACATTTGCCTATATCAG-3'
Protein context (NP_000042.3, residues 1364-1384): DLCDFSGDLD[Pro1374Leu]APNPPHFPSH

ClinVar aggregate classification (germline): Uncertain significance (0 of 4 stars; one submission).

Conditions:
ATM-related disorder. Also called: ATM-related disorders; ATM-related condition.

Submission:

PreventionGenetics, part of Exact Sciences
Classification: Uncertain significance for ATM-related condition. Last evaluated: 2024-03-15. Review status: no assertion criteria provided. Collection method: clinical testing. Allele origin: germline.
Comment: The ATM c.4121C>T variant is predicted to result in the amino acid substitution p.Pro1374Leu. To our knowledge, this variant has not been reported in the literature or in a large population database, indicating this variant is rare. At this time, the clinical significance of this variant is uncertain due to the absence of conclusive functional and genetic evidence.